The following is an entry in ClinVar:

NM_006859.4(LIAS):c.905A>G (p.Asp302Gly)

Gene: LIAS (lipoic acid synthetase; plus strand). Cytogenetic location: 4p14.
Variant type: single nucleotide variant.
Coding change: c.905A>G on transcript NM_006859.4 (MANE Select); coding-DNA position 905, A replaced by G.
Protein change: p.Asp302Gly; replaces aspartic acid 302 with glycine.
Molecular consequence: missense variant.
Genome position (GRCh38, 1-based): chr4:39,471,257, A>G. VCF-style: chr4-39471257-A-G. GRCh37 (hg19) VCF-style: chr4-39472877-A-G.
Other names: c.776A>G, p.Asp259Gly (NM_001278590.2); c.596A>G, p.Asp199Gly (NM_001363700.2); c.905A>G, p.Asp302Gly (NM_194451.3); short protein forms D302G, D259G, D199G.
Identifiers: ClinVar variation 595213 (VCV000595213.11), dbSNP rs1206469888, ClinGen allele CA356665498.

ClinVar aggregate classification (germline): Uncertain significance. Review status: criteria provided, multiple submitters, no conflicts (2 of 4 stars). 2 submissions from 2 submitters: Uncertain significance (2). Last evaluated 2024-12-08.

Conditions:
Lipoic acid synthetase deficiency. Also called: HYPERGLYCINEMIA, LACTIC ACIDOSIS, AND SEIZURES. Identifiers: Orphanet 401859, MedGen C3280887, MONDO:0013762, OMIM 614462.

Allele frequency attached by ClinVar (database versions not stated): gnomAD 0.00001; TOPMed 0.00002.

Submissions (2):

Labcorp Genetics (formerly Invitae), Labcorp
Classification: Uncertain significance for Lipoic acid synthetase deficiency. Last evaluated: 2024-12-08. Review status: criteria provided, single submitter. Criteria: Invitae Variant Classification Sherloc (09022015). Collection method: clinical testing. Allele origin: germline.
Comment: This sequence change replaces aspartic acid, which is acidic and polar, with glycine, which is neutral and non-polar, at codon 302 of the LIAS protein (p.Asp302Gly). This variant is not present in population databases (gnomAD no frequency). This variant has not been reported in the literature in individuals affected with LIAS-related conditions. ClinVar contains an entry for this variant (Variation ID: 595213). Invitae Evidence Modeling of protein sequence and biophysical properties (such as structural, functional, and spatial information, amino acid conservation, physicochemical variation, residue mobility, and thermodynamic stability) indicates that this missense variant is expected to disrupt LIAS protein function with a positive predictive value of 80%. In summary, the available evidence is currently insufficient to determine the role of this variant in disease. Therefore, it has been classified as a Variant of Uncertain Significance.

Eurofins Ntd Llc (ga)
Classification: Uncertain significance. Last evaluated: 2017-12-14. Review status: criteria provided, single submitter. Criteria: EGL Classification Definitions 2015. Collection method: clinical testing. Allele origin: germline. Observed: 1 variant allele, 1 heterozygote.